The following is an entry in ClinVar:

ClinVar aggregate classification (germline): Uncertain significance (1 of 4 stars; one submission).

Conditions:
Autosomal dominant hypocalcemia 1 (HYPOC1). Also called: HYPOCALCEMIA, FAMILIAL. Identifiers: MedGen C3715128, MONDO:0011013, OMIM 601198.
Familial hypocalciuric hypercalcemia (FHH). Also called: Familial benign hypercalcemia. Identifiers: Orphanet 405, MedGen C1809471, MONDO:0018458.

Submission:

Labcorp Genetics (formerly Invitae), Labcorp
Classification: Uncertain significance for Familial hypocalciuric hypercalcemia; Autosomal dominant hypocalcemia 1. Last evaluated: 2024-07-03. Review status: criteria provided, single submitter. Criteria: Invitae Variant Classification Sherloc (09022015). Collection method: clinical testing. Allele origin: germline.
Comment: This sequence change replaces alanine, which is neutral and non-polar, with glutamic acid, which is acidic and polar, at codon 154 of the CASR protein (p.Ala154Glu). This variant is not present in population databases (gnomAD no frequency). This variant has not been reported in the literature in individuals affected with CASR-related conditions. An algorithm developed to predict the effect of missense changes on protein structure and function (PolyPhen-2) suggests that this variant is likely to be disruptive. In summary, the available evidence is currently insufficient to determine the role of this variant in disease. Therefore, it has been classified as a Variant of Uncertain Significance.

NM_000388.4(CASR):c.461C>A (p.Ala154Glu)

Gene: CASR (calcium sensing receptor; plus strand). Cytogenetic location: 3q21.1.
Variant type: single nucleotide variant.
Coding change: c.461C>A on transcript NM_000388.4 (MANE Select); coding-DNA position 461, C replaced by A.
Protein change: p.Ala154Glu; replaces alanine 154 with glutamic acid.
Molecular consequence: missense variant.
Genome position (GRCh38, 1-based): chr3:122,257,356, C>A. VCF-style: chr3-122257356-C-A. GRCh37 (hg19) VCF-style: chr3-121976203-C-A.
Other names: c.461C>A, p.Ala154Glu (NM_001178065.2); short protein forms A154E.
Identifiers: ClinVar variation 3758468 (VCV003758468.2).